The following is an entry in ClinVar:

NM_001009944.3(PKD1):c.2192C>T (p.Pro731Leu)

Gene: PKD1 (polycystin 1, transient receptor potential channel interacting; minus strand). Cytogenetic location: 16p13.3.
Variant type: single nucleotide variant.
Coding change: c.2192C>T on transcript NM_001009944.3 (MANE Select); coding-DNA position 2192, C replaced by T.
Protein change: p.Pro731Leu; replaces proline 731 with leucine.
Molecular consequence: missense variant.
Genome position (GRCh38, 1-based): chr16:2,114,831, G>A on the plus strand (C>T on the coding strand, the complement: PKD1 is on the minus strand). VCF-style: chr16-2114831-G-A. GRCh37 (hg19) VCF-style: chr16-2164832-G-A.
Other names: c.2192C>T, p.Pro731Leu (NM_000296.4); short protein forms P731L.
Identifiers: ClinVar variation 586256 (VCV000586256.13), dbSNP rs979342927, ClinGen allele CA276782864.

ClinVar aggregate classification (germline): Conflicting classifications of pathogenicity. Review status: criteria provided, conflicting classifications (1 of 4 stars). 9 submissions from 9 submitters: Uncertain significance (1); Benign (1); Likely benign (3). 4 of the submissions do not count toward it. Last evaluated 2025-09-17.

Conditions:
Inborn genetic diseases. Identifiers: MedGen C0950123, MeSH D030342.
Bladder exstrophy-epispadias-cloacal exstrophy complex. Also called: Exstrophy of the bladder-epispadias; Bladder exstrophy and epispadias complex; Bladder exstrophy-epispadias-cloacal extrophy complex. Identifiers: Orphanet 93930, MedGen C1838703, MONDO:0700039, OMIM 600057.
Polycystic kidney disease. Also called: Kidney, Polycystic; Polycystic kidney dysplasia. Identifiers: MedGen C0022680, MeSH D007690, MONDO:0020642, HP:0000113.
PKD1-related disorder. Also called: PKD1-related condition.

Allele frequency attached by ClinVar (database versions not stated): gnomAD exomes 0.00016 and 0.00026; 1000 Genomes Project 30x 0.00062; gnomAD 0.00095 and 0.00102; TOPMed 0.00111.
gnomAD v4.1: 340 of 1,353,094 alleles (0.025%); highest among the groups gnomAD compares: African/African-American, 0.32%; no homozygotes.

Submissions (9):

Women's Health and Genetics/Laboratory Corporation of America, LabCorp
Classification: Likely benign. Last evaluated: 2025-09-17. Review status: criteria provided, single submitter. Criteria: LabCorp Variant Classification Summary - May 2015. Collection method: clinical testing. Allele origin: germline.
Comment: Variant summary: PKD1 c.2192C>T (p.Pro731Leu) results in a non-conservative amino acid change in the encoded protein sequence. Algorithms developed to predict the effect of missense changes on protein structure and function are either unavailable or do not agree on the potential impact of this missense change. The variant allele was found at a frequency of 0.00026 in 120558 control chromosomes, predominantly at a frequency of 0.0025 within the African or African-American subpopulation in the gnomAD database. The observed variant frequency within African or African-American control individuals in the gnomAD database exceeds the estimated maximal expected allele frequency for disease-causing variants in PKD1. To our knowledge, no occurrence of c.2192C>T in individuals affected with PKD1-related conditions and no experimental evidence demonstrating its impact on protein function have been reported. ClinVar contains an entry for this variant (Variation ID: 586256). Based on the evidence outlined above, the variant was classified as likely benign.

Ambry Genetics
Classification: Likely benign for Inborn genetic diseases. Last evaluated: 2021-11-22. Review status: criteria provided, single submitter. Criteria: Ambry Variant Classification Scheme 2023. Collection method: clinical testing. Allele origin: germline.

GeneDx
Classification: Likely benign. Last evaluated: 2020-04-03. Review status: criteria provided, single submitter. Criteria: GeneDx Variant Classification Process June 2021. Collection method: clinical testing. Allele origin: germline. Affected: yes.

Athena Diagnostics
Classification: Benign. Last evaluated: 2018-03-05. Review status: criteria provided, single submitter. Criteria: Athena Diagnostics Criteria. Collection method: clinical testing. Allele origin: germline.

Obstetrics and Gynecology Department, Johns Hopkins School Of Medicine
Classification: Uncertain significance for Bladder exstrophy-epispadias-cloacal exstrophy complex. Review status: criteria provided, single submitter. Criteria: ACMG Guidelines, 2015. Collection method: curation. Allele origin: de novo. Affected: yes.

PreventionGenetics, part of Exact Sciences
Classification: Likely benign for PKD1-related condition. Last evaluated: 2019-12-04. Review status: no assertion criteria provided. Collection method: clinical testing. Allele origin: germline. Not counted in ClinVar's aggregate classification.
Comment: This variant is classified as likely benign based on ACMG/AMP sequence variant interpretation guidelines (Richards et al. 2015 PMID: 25741868, with internal and published modifications).

Clinical Genetics DNA and cytogenetics Diagnostics Lab, Erasmus MC, Erasmus Medical Center
Classification: Likely benign. Review status: no assertion criteria provided. Collection method: clinical testing. Allele origin: germline. Affected: yes. Study: VKGL Data-share Consensus. Not counted in ClinVar's aggregate classification.

Department of Pathology and Laboratory Medicine, Sinai Health System
Classification: Benign for Polycystic Kidney disease. Review status: no assertion criteria provided. Collection method: clinical testing. Allele origin: unknown. Affected: yes. Study: The Canadian Open Genetics Repository (COGR). Not counted in ClinVar's aggregate classification.
Comment: The PKD1 p.Pro731Leu variant was not identified in the literature nor was it identified in the COGR, or LOVD 3.0 databases. The variant was identified in dbSNP (ID: rs979342927) as â€šÃ„ÃºNAâ€šÃ„Ã¹, ClinVar (classified benign by Athena Diagnostics), and ADPKD Mutation Database (as likely neutral). The variant was identified in control databases in 60 of 146384 chromosomes at a frequency of 0.0004 increasing the likelihood this could be a low frequency benign variant (Genome Aggregation Database Feb 27, 2017). The variant was observed in the following populations: African in 43 of 14788 chromosomes (freq: 0.002), Other in 1 of 4278 chromosomes (freq: 0.0002), Latino in 13 of 23684 chromosomes (freq: 0.0005), European Non-Finnish in 1 of 59328 chromosomes (freq: 0.00002), East Asian in 2 of 11492 chromosomes (freq: 0.0001); it not observed in the Ashkenazi Jewish, European Finnish, and South Asian populations. In addition we cannot be certain that data from control databases is specific to PKD1 and not from one of the six PKD1 pseudogenes. The p.Pro731 residue is not conserved in mammals and four out of five computational analyses (PolyPhen-2, SIFT, AlignGVGD, BLOSUM, MutationTaster) do not suggest a high likelihood of impact to the protein; however, this information is not predictive enough to rule out pathogenicity. The variant occurs outside of the splicing consensus sequence and in silico or computational prediction software programs (SpliceSiteFinder, MaxEntScan, NNSPLICE, GeneSplicer) do not predict a difference in splicing. In summary, based on the above information this variant meets our laboratory criteria to be classified as benign.

Genome Diagnostics Laboratory, University Medical Center Utrecht
Classification: Likely benign. Review status: no assertion criteria provided. Collection method: clinical testing. Allele origin: germline. Affected: yes. Study: VKGL Data-share Consensus. Not counted in ClinVar's aggregate classification.